The following is an entry in ClinVar:

NM_007294.4(BRCA1):c.92T>G (p.Ile31Ser)

Gene: BRCA1 (BRCA1 DNA repair associated; minus strand). Cytogenetic location: 17q21.31.
Variant type: single nucleotide variant.
Coding change: c.92T>G on transcript NM_007294.4 (MANE Select); coding-DNA position 92, T replaced by G.
Protein change: p.Ile31Ser; replaces isoleucine 31 with serine.
Molecular consequence: missense variant. On other transcripts: non-coding transcript variant (1), intron variant (1).
Genome position (GRCh38, 1-based): chr17:43,115,768, A>C on the plus strand (T>G on the coding strand, the complement: BRCA1 is on the minus strand). VCF-style: chr17-43115768-A-C. GRCh37 (hg19) VCF-style: chr17-41267785-A-C.
Other names: c.-97T>G (NM_001407571.1, NM_001407853.1, NM_001407879.1 and 52 more transcripts); c.92T>G, p.Ile31Ser (NM_001407581.1, NM_001407582.1, NM_001407583.1 and 192 more transcripts); c.-166T>G (NM_001407694.1, NM_001407696.1, NM_001407724.1 and 13 more transcripts); c.-170T>G (NM_001407695.1, NM_001408465.1); c.-50T>G (NM_001407697.1, NM_001407725.1, NM_001407728.1 and 47 more transcripts); c.-46T>G (NM_001407841.1); c.-213T>G (NM_001407889.1, NM_001407900.1, NM_001408492.1); c.-212T>G (NM_001407960.1, NM_001407962.1, NM_001408510.1 and 1 more transcripts); and 2 more; short protein forms I31S.
Identifiers: ClinVar variation 867478 (VCV000867478.3), dbSNP rs2055259689, ClinGen allele CA10601968.
Genomic context (GRCh38, chr17:43,115,768, plus strand): 5'-TAACACATTCAAACTTACTTGCAAAATATGTGGTCACACTTTGTGGAGACAGGTTCCTTG[A>C]TCAACTCCAGACTAGCAGGGTAGGGGGGGAGAAAAAGAAAATAAATGAGGCTCAATAATT-3'
Protein context (NP_009225.1, residues 21-41): ILECPICLEL[Ile31Ser]KEPVSTKCDH

Conditions:
Breast-ovarian cancer, familial, susceptibility to, 1 (BROVCA1). Also called: BRCA1 Hereditary Breast and Ovarian Cancer; OVARIAN CANCER, SUSCEPTIBILITY TO. Identifiers: Orphanet 145, MedGen C2676676, MONDO:0011450, OMIM 604370. Disease mechanism: loss of function.

Submission:

Brotman Baty Institute, University of Washington
No classification provided (evidence only). Condition: Breast-ovarian cancer, familial 1. Review status: no classification provided. Collection method: in vitro. Allele origin: not applicable. Functional consequence: functionally_normal.
ClinVar note: "not provided" was previously submitted as the classification for the variant. However, the classification appeared to be based only on an observation of functional data so it was converted to no classification on 2025-07-30.